The following is an entry in ClinVar:

ClinVar aggregate classification (germline): Pathogenic. Review status: criteria provided, single submitter (1 of 4 stars). 3 submissions from 2 submitters: Pathogenic (1). 2 of the submissions do not count toward it. Last evaluated 2024-09-22.

Conditions:
Meckel syndrome 14 (MKS14). Identifiers: MedGen C5676989, MONDO:0030819, OMIM 619879.
Meckel-Gruber syndrome. Also called: DYSENCEPHALIA SPLANCHNOCYSTICA; GRUBER SYNDROME; Dysencephalia splachnocystica. Identifiers: Orphanet 564, MedGen C0265215, MONDO:0018921.

Submissions (3):

Genomic Medicine Center of Excellence, King Faisal Specialist Hospital and Research Centre
Classification: Pathogenic for Meckel syndrome 14. Last evaluated: 2024-09-22. Review status: criteria provided, single submitter. Criteria: ACMG Guidelines, 2015. Collection method: clinical testing. Allele origin: germline.

OMIM
Classification: Pathogenic for MECKEL SYNDROME 14. Last evaluated: 2022-05-13. Review status: no assertion criteria provided. Collection method: literature only. Allele origin: germline. Not counted in ClinVar's aggregate classification.

Genomic Medicine Center of Excellence, King Faisal Specialist Hospital and Research Centre
Classification: Likely pathogenic for Meckel syndrome. Review status: no assertion criteria provided. Collection method: research. Allele origin: germline. Affected: yes. Observed: 1 homozygote. Not counted in ClinVar's aggregate classification.
Comment: Loss of function, autozygosity mapping, segregation, gene independently mutated in three families with Meckel-Gruber syndrome, experimental evidence linking TXNDC15 to ciliogenesis

Literature cited by the submitters: PubMed 27894351 (cited by OMIM).

NM_024715.4(TXNDC15):c.673_687del (p.Ser225_His229del)

Gene: TXNDC15 (thioredoxin domain containing 15; plus strand). Cytogenetic location: 5q31.1.
Variant type: Deletion.
Coding change: c.673_687del on transcript NM_024715.4 (MANE Select); coding-DNA positions 673 to 687, 15 bases deleted (AGTTTGGCCCCTCAC).
Protein change: p.Ser225_His229del.
Molecular consequence: inframe deletion.
Genome position (GRCh38, 1-based): chr5:134,893,573-134,893,587, AGTTTGGCCCCTCAC deleted; deleting any 15 consecutive bases within chr5:134,893,572-134,893,587 gives the same sequence; the c. name uses the placement nearest the transcript's 3' end. VCF-style (leftmost placement, unchanged base first): chr5-134893571-CCAGTTTGGCCCCTCA-C. GRCh37 (hg19) VCF-style: chr5-134229261-CCAGTTTGGCCCCTCA-C.
Other names: c.469_483del, p.Ser157_His161del (NM_001350735.2); c.672_686del (NM_024715.3).
Identifiers: ClinVar variation 266074 (VCV000266074.3), dbSNP rs886039791, ClinGen allele CA10588962.